The following is an entry in ClinVar:

NM_000018.4(ACADVL):c.1077+1G>T

Gene: ACADVL (acyl-CoA dehydrogenase very long chain; plus strand). Cytogenetic location: 17p13.1.
Variant type: single nucleotide variant.
Coding change: c.1077+1G>T on transcript NM_000018.4 (MANE Select); the canonical splice donor site of the intron after coding-DNA position 1077, G replaced by T.
Molecular consequence: splice donor variant.
Genome position (GRCh38, 1-based): chr17:7,222,866, G>T. VCF-style: chr17-7222866-G-T. GRCh37 (hg19) VCF-style: chr17-7126185-G-T.
Other names: c.1146+1G>T (NM_001270447.2); c.849+1G>T (NM_001270448.2); c.1011+1G>T (NM_001033859.3).
Identifiers: ClinVar variation 370482 (VCV000370482.41), dbSNP rs140989450, ClinGen allele CA16041867.

ClinVar aggregate classification (germline): Likely pathogenic. Review status: reviewed by expert panel (3 of 4 stars). 8 submissions from 8 submitters: Likely pathogenic (1). 7 of the submissions do not count toward it. Last evaluated 2022-09-22.

Conditions:
Very long chain acyl-CoA dehydrogenase deficiency (ACADVLD). Also called: VLCAD Deficiency; Very Long-Chain Acyl-Coenzyme A Dehydrogenase Deficiency. Identifiers: Orphanet 26793, MedGen C3887523, MONDO:0008723, OMIM 201475.

Allele frequency attached by ClinVar (database versions not stated): gnomAD 0.00001; TOPMed 0.00001.
gnomAD v4.1: 18 of 1,610,990 alleles (0.0011%); highest among the groups gnomAD compares: Non-Finnish European, 0.0014%; no homozygotes.

Submissions (8):

ClinGen ACADVL Variant Curation Expert Panel, ClinGen
Classification: Likely pathogenic for Very long chain acyl-CoA dehydrogenase deficiency. Last evaluated: 2022-09-22. Review status: reviewed by expert panel. Criteria: clingen acadvl acmg specifications v1. Collection method: curation. Allele origin: germline. Inheritance: Autosomal recessive inheritance.
Comment: The c.1077+1G>T variant in ACADVL is a splice site variant affecting the canonical donor splice site in intron 10. It is expected to disrupt RNA splicing and likely results in an absent or disrupted protein product. This variant is present at low frequency (1 allele, <0.1%) in large population database (PM2_supporting, gnomad). This variant has been reported in abnormal newborn screen with 36% residual enzyme activity (PP4 not met) without clinical confirmation or a second variant identified (PMID 21932095). In summary, this variant meets criteria to be classified as likely pathogenic for VLCAD in an AR manner. ACADVL-specific ACMG/AMP criteria applied: PVS1, PM2_supporting.

CeGaT Center for Human Genetics Tuebingen
Classification: Pathogenic. Last evaluated: 2026-09-01. Review status: criteria provided, single submitter. Criteria: CeGaT Center For Human Genetics Tuebingen Variant Classification Criteria Version 2. Collection method: clinical testing. Allele origin: germline. Affected: yes. Observed: 2 variant alleles. Not counted in ClinVar's aggregate classification.
Comment: ACADVL: PVS1, PM2, PP4:Moderate, PS1:Supporting

Labcorp Genetics (formerly Invitae), Labcorp
Classification: Pathogenic for Very long chain acyl-CoA dehydrogenase deficiency. Last evaluated: 2025-06-11. Review status: criteria provided, single submitter. Criteria: Invitae Variant Classification Sherloc (09022015). Collection method: clinical testing. Allele origin: germline. Not counted in ClinVar's aggregate classification.
Comment: This sequence change affects a donor splice site in intron 10 of the ACADVL gene. It is expected to disrupt RNA splicing. Variants that disrupt the donor or acceptor splice site typically lead to a loss of protein function (PMID: 16199547), and loss-of-function variants in ACADVL are known to be pathogenic (PMID: 9973285, 11590124). This variant is present in population databases (no rsID available, gnomAD 0.0009%). Disruption of this splice site has been observed in individual(s) with very long-chain acyl-CoA dehydrogenase deficiency (PMID: 21932095, 25338548, 30194637). ClinVar contains an entry for this variant (Variation ID: 370482). Algorithms developed to predict the effect of sequence changes on RNA splicing suggest that this variant may disrupt the consensus splice site. For these reasons, this variant has been classified as Pathogenic.

Revvity Omics, Revvity
Classification: Likely pathogenic for Very long chain acyl-CoA dehydrogenase deficiency. Last evaluated: 2025-05-09. Review status: criteria provided, single submitter. Criteria: ACMG Guidelines, 2015. Collection method: clinical testing. Allele origin: germline. Not counted in ClinVar's aggregate classification.

Baylor Genetics
Classification: Pathogenic for Very long chain acyl-CoA dehydrogenase deficiency. Last evaluated: 2024-03-13. Review status: criteria provided, single submitter. Criteria: ACMG Guidelines, 2015. Collection method: clinical testing. Allele origin: unknown. Not counted in ClinVar's aggregate classification.

Women's Health and Genetics/Laboratory Corporation of America, LabCorp
Classification: Likely pathogenic for Very long chain acyl-CoA dehydrogenase deficiency. Last evaluated: 2022-05-06. Review status: criteria provided, single submitter. Criteria: LabCorp Variant Classification Summary - May 2015. Collection method: clinical testing. Allele origin: germline. Not counted in ClinVar's aggregate classification.
Comment: Variant summary: ACADVL c.1077+1G>T is located in a canonical splice-site and is predicted to affect mRNA splicing resulting in a significantly altered protein due to either exon skipping, shortening, or inclusion of intronic material. Several computational tools predict a significant impact on normal splicing: Four predict the variant abolishes a 5 splicing donor site. However, these predictions have yet to be confirmed by functional studies. The variant allele was found at a frequency of 4e-06 in 249894 control chromosomes. c.1077+1G>T has been reported in the literature in at least one individual affected with Very Long Chain Acyl-CoA Dehydrogenase Deficiency with residual enzyme activity of 36%. A second mutation was not identifed in this patient (Hoffmann_2012). The variant has also been reported in a patient with familial dilated cardiomyopathy, however co-occurrence with a pathogenic mutation in TTN (c.49458G>A, p.W16486X) was reported in this individual (Minoche_2019). These data do not allow any conclusion about variant significance. Four other clinical diagnostic laboratories have submitted clinical-significance assessments for this variant to ClinVar after 2014 without evidence for independent evaluation. All laboratories classified the variant as pathogenic/likely pathogenic. Based on the evidence outlined above, the variant was classified as likely pathogenic.

Myriad Genetics, Inc.
Classification: Likely pathogenic for Very long chain acyl-CoA dehydrogenase deficiency. Last evaluated: 2021-11-19. Review status: criteria provided, single submitter. Criteria: Myriad Women's Health Autosomal Recessive and X-Linked Classification Criteria (2021). Collection method: clinical testing. Allele origin: unknown. Not counted in ClinVar's aggregate classification.
Comment: NM_000018.3(ACADVL):c.1077+1G>T is a canonical splice variant classified as likely pathogenic in the context of very-long-chain acyl-CoA dehydrogenase deficiency. c.1077+1G>T has been observed in cases with relevant disease (PMID: 21932095). Functional assessments of this variant are not available in the literature. c.1077+1G>T has been observed in population frequency databases (gnomAD: NFE <0.001%). In summary, NM_000018.3(ACADVL):c.1077+1G>T is a canonical splice variant in a gene where loss of function is a known mechanism of disease and is predicted to disrupt protein function. Please note: this variant was assessed in the context of healthy population screening.

Wong Mito Lab, Molecular and Human Genetics, Baylor College of Medicine
Classification: Pathogenic for Very long chain acyl-CoA dehydrogenase deficiency. Last evaluated: 2019-11-01. Review status: criteria provided, single submitter. Criteria: ACMG Guidelines, 2015. Collection method: clinical testing. Allele origin: germline. Not counted in ClinVar's aggregate classification.
Comment: The NM_000018.3:c.1077+1G>T (NP_000009.1:p.?) [GRCH38: NC_000017.11:g.7222866G>T] variant in ACADVL gene is interpretated to be Pathogenic based on ACMG guidelines (PMID: 25741868). This variant has been reported in PMID: 21932095. This variant meets the following evidence codes reported in the ACMG guidelines: PVS1, PS3

Literature cited by the submitters: PubMed 16199547 (cited by Labcorp Genetics (formerly Invitae), Labcorp); PubMed 9973285 (cited by Labcorp Genetics (formerly Invitae), Labcorp); PubMed 11590124 (cited by Labcorp Genetics (formerly Invitae), Labcorp); PubMed 21932095 (cited by 4 submitters); PubMed 25338548 (cited by Labcorp Genetics (formerly Invitae), Labcorp); PubMed 30194637 (cited by Labcorp Genetics (formerly Invitae), Labcorp); PubMed 29961767 (cited by Women's Health and Genetics/Laboratory Corporation of America, LabCorp).